The following is an entry in ClinVar:

NM_000400.4(ERCC2):c.1744G>C (p.Glu582Gln)

Gene: ERCC2 (ERCC excision repair 2, TFIIH core complex helicase subunit; minus strand). Cytogenetic location: 19q13.32.
Variant type: single nucleotide variant.
Coding change: c.1744G>C on transcript NM_000400.4 (MANE Select); coding-DNA position 1744, G replaced by C.
Protein change: p.Glu582Gln; replaces glutamic acid 582 with glutamine.
Molecular consequence: missense variant.
Genome position (GRCh38, 1-based): chr19:45,353,256, C>G on the plus strand (G>C on the coding strand, the complement: ERCC2 is on the minus strand). VCF-style: chr19-45353256-C-G. GRCh37 (hg19) VCF-style: chr19-45856514-C-G.
Other names: short protein forms E582Q.
Identifiers: ClinVar variation 1779267 (VCV001779267.2), dbSNP rs2514002542, ClinGen allele CA406364345.

ClinVar aggregate classification (germline): Uncertain significance (1 of 4 stars; one submission).

Conditions:
Inborn genetic diseases. Identifiers: MedGen C0950123, MeSH D030342.

Submission:

Ambry Genetics
Classification: Uncertain significance for Inborn genetic diseases. Last evaluated: 2021-09-17. Review status: criteria provided, single submitter. Criteria: Ambry Variant Classification Scheme 2023. Collection method: clinical testing. Allele origin: germline.
Comment: The p.E582Q variant (also known as c.1744G>C), located in coding exon 18 of the ERCC2 gene, results from a G to C substitution at nucleotide position 1744. The glutamic acid at codon 582 is replaced by glutamine, an amino acid with highly similar properties. This amino acid position is conserved. In addition, the in silico prediction for this alteration is inconclusive. Since supporting evidence is limited at this time, the clinical significance of this alteration remains unclear.